The following is an entry in ClinVar:

NM_003482.4(KMT2D):c.4692G>A (p.Val1564=)

Gene: KMT2D (lysine methyltransferase 2D; minus strand). Cytogenetic location: 12q13.12.
Variant type: single nucleotide variant.
Coding change: c.4692G>A on transcript NM_003482.4 (MANE Select); coding-DNA position 4692, G replaced by A.
Protein change: p.Val1564=; no amino-acid change (valine 1564 retained).
Molecular consequence: synonymous variant.
Genome position (GRCh38, 1-based): chr12:49,046,066, C>T on the plus strand (G>A on the coding strand, the complement: KMT2D is on the minus strand). VCF-style: chr12-49046066-C-T. GRCh37 (hg19) VCF-style: chr12-49439849-C-T.
Identifiers: ClinVar variation 2904587 (VCV002904587.3), dbSNP rs912602466, ClinGen allele CA236614735.

ClinVar aggregate classification (germline): Uncertain significance (1 of 4 stars; one submission).

Conditions:
Kabuki syndrome. Also called: Kabuki make-up syndrome; NIIKAWA-KUROKI SYNDROME. Identifiers: Orphanet 2322, MedGen C0796004, MONDO:0016512.

Allele frequency attached by ClinVar (database versions not stated): TOPMed 0.00002; gnomAD exomes 0.00001; gnomAD 0.00001.
gnomAD v4.1: 5 of 1,611,546 alleles (0.00031%); highest among the groups gnomAD compares: East Asian, 0.0089%; no homozygotes.

Submission:

Labcorp Genetics (formerly Invitae), Labcorp
Classification: Uncertain significance for Kabuki syndrome. Last evaluated: 2025-07-22. Review status: criteria provided, single submitter. Criteria: Invitae Variant Classification Sherloc (09022015). Collection method: clinical testing. Allele origin: germline.
Comment: This sequence change affects codon 1564 of the KMT2D mRNA. It is a 'silent' change, meaning that it does not change the encoded amino acid sequence of the KMT2D protein. It affects a nucleotide within the consensus splice site. This variant is not present in population databases (gnomAD no frequency). This variant has not been reported in the literature in individuals affected with KMT2D-related conditions. ClinVar contains an entry for this variant (Variation ID: 2904587). Algorithms developed to predict the effect of sequence changes on RNA splicing suggest that this variant is not likely to affect RNA splicing. In summary, the available evidence is currently insufficient to determine the role of this variant in disease. Therefore, it has been classified as a Variant of Uncertain Significance.